The following is an entry in ClinVar:

ClinVar aggregate classification (germline): Benign/Likely benign. Review status: criteria provided, multiple submitters, no conflicts (2 of 4 stars). 5 submissions from 4 submitters: Benign (1); Likely benign (4). Last evaluated 2026-04-06.

Conditions:
Blau syndrome (BLAUS). Also called: ARTHROCUTANEOUVEAL GRANULOMATOSIS; GRANULOMATOSIS, FAMILIAL JUVENILE SYSTEMIC; GRANULOMATOSIS, FAMILIAL, BLAU TYPE; GRANULOMATOUS INFLAMMATORY ARTHRITIS, DERMATITIS, AND UVEITIS, FAMILIAL; JABS SYNDROME. Identifiers: Orphanet 90340, MedGen C5201146, MONDO:0008523, OMIM 186580.
Regional enteritis. Also called: Enteritis, Granulomatous. Identifiers: MedGen C0678202, MeSH D003424.
Autoinflammatory syndrome. Identifiers: Orphanet 93665, MedGen C3890737, MONDO:0019751.
Inflammatory bowel disease 1 (IBD1). Also called: Inflammatory bowel disease 1, Crohn disease; INFLAMMATORY BOWEL DISEASE (CROHN DISEASE) 1. Identifiers: MedGen CN260071, MONDO:0009960, OMIM 266600.

Allele frequency attached by ClinVar (database versions not stated): gnomAD 0.00001 and 0.00011; TOPMed 0.00002; gnomAD exomes 0.00023; ExAC 0.00032; 1000 Genomes Project 0.00100; 1000 Genomes Project 30x 0.00109.
gnomAD v4.1: 225 of 1,614,154 alleles (0.014%); highest among the groups gnomAD compares: South Asian, 0.21%; no homozygotes.

Submissions (5):

Women's Health and Genetics/Laboratory Corporation of America, LabCorp
Classification: Likely benign. Last evaluated: 2026-04-06. Review status: criteria provided, single submitter. Criteria: LabCorp Variant Classification Summary - May 2015. Collection method: clinical testing. Allele origin: germline.

Labcorp Genetics (formerly Invitae), Labcorp
Classification: Likely benign for Regional enteritis; Blau syndrome. Last evaluated: 2025-10-26. Review status: criteria provided, single submitter. Criteria: Invitae Variant Classification Sherloc (09022015). Collection method: clinical testing. Allele origin: germline.

Genome Diagnostics Laboratory, The Hospital for Sick Children
Classification: Likely benign for Autoinflammatory syndrome. Last evaluated: 2019-02-01. Review status: criteria provided, single submitter. Criteria: ACMG Guidelines, 2015. Collection method: clinical testing. Allele origin: germline. Affected: yes.

Illumina Laboratory Services, Illumina
Classification: Likely benign for Inflammatory bowel disease 1. Last evaluated: 2018-01-12. Review status: criteria provided, single submitter. Criteria: ICSL Variant Classification Criteria 13 December 2019. Collection method: clinical testing. Allele origin: germline.
Comment: This variant was observed in the ICSL laboratory as part of a predisposition screen in an ostensibly healthy population. It had not been previously curated by ICSL or reported in the Human Gene Mutation Database (HGMD: prior to June 1st, 2018), and was therefore a candidate for classification through an automated scoring system. Utilizing variant allele frequency, disease prevalence and penetrance estimates, and inheritance mode, an automated score was calculated to assess if this variant is too frequent to cause the disease. Based on the score and internal cut-off values, a variant classified as likely benign is not then subjected to further curation. The score for this variant resulted in a classification of likely benign for this disease.

Illumina Laboratory Services, Illumina
Classification: Benign for Blau syndrome. Last evaluated: 2018-01-12. Review status: criteria provided, single submitter. Criteria: ICSL Variant Classification Criteria 13 December 2019. Collection method: clinical testing. Allele origin: germline.
Comment: This variant was observed in the ICSL laboratory as part of a predisposition screen in an ostensibly healthy population. It had not been previously curated by ICSL or reported in the Human Gene Mutation Database (HGMD: prior to June 1st, 2018), and was therefore a candidate for classification through an automated scoring system. Utilizing variant allele frequency, disease prevalence and penetrance estimates, and inheritance mode, an automated score was calculated to assess if this variant is too frequent to cause the disease. Based on the score and internal cut-off values, a variant classified as benign is not then subjected to further curation. The score for this variant resulted in a classification of benign for this disease.

NM_001370466.1(NOD2):c.1091G>A (p.Arg364His)

Gene: NOD2 (nucleotide binding oligomerization domain containing 2; plus strand). Cytogenetic location: 16q12.1.
Variant type: single nucleotide variant.
Coding change: c.1091G>A on transcript NM_001370466.1 (MANE Select); coding-DNA position 1091, G replaced by A.
Protein change: p.Arg364His; replaces arginine 364 with histidine.
Molecular consequence: missense variant. On other transcripts: non-coding transcript variant (1).
Genome position (GRCh38, 1-based): chr16:50,711,083, G>A. VCF-style: chr16-50711083-G-A. GRCh37 (hg19) VCF-style: chr16-50744994-G-A.
Other names: c.1172G>A (LRG_177t1); c.1091G>A, p.Arg364His (NM_001293557.2); c.1172G>A, p.Arg391His (NM_022162.3); short protein forms R391H, R364H.
Identifiers: ClinVar variation 319442 (VCV000319442.19), dbSNP rs554887705, ClinGen allele CA8051482.